The following is an entry in ClinVar:

NM_001110556.2(FLNA):c.4755+1G>T

Gene: FLNA (filamin A; minus strand). Cytogenetic location: Xq28.
Variant type: single nucleotide variant.
Coding change: c.4755+1G>T on transcript NM_001110556.2 (MANE Select); the canonical splice donor site of the intron after coding-DNA position 4755, G replaced by T.
Molecular consequence: splice donor variant.
Genome position (GRCh38, 1-based): chrX:154,358,198, C>A on the plus strand (G>T on the coding strand, the complement: FLNA is on the minus strand). VCF-style: chrX-154358198-C-A. GRCh37 (hg19) VCF-style: chrX-153586566-C-A.
Other names: NC_000023.10:g.153586566C>A; c.4755+1G>T (NM_001456.4, NM_001456.3).
Identifiers: ClinVar variation 4478443 (VCV004478443.2).
Genomic context (GRCh38, chrX:154,358,198, plus strand): 5'-CGCAGCCCACACTCCAGCCGCCCAGGCCCCCCTGCCTCCCCTGCCTGTGCCCGGAGCTCA[C>A]CGTGATCTGGACAGCCAGCAGGCCCTCCCCGGCGTCCTTTGCATCGATGGTGAACTCCAC-3'

ClinVar aggregate classification (germline): Pathogenic (1 of 4 stars; one submission).

Conditions:
Familial thoracic aortic aneurysm and aortic dissection (TAAD). Also called: Thoracic aortic aneurysms and dissections. Identifiers: Orphanet 91387, MedGen C4707243, MONDO:0019625.

Submissions (2):

Ambry Genetics
Classification: Pathogenic for Familial thoracic aortic aneurysm and aortic dissection. Last evaluated: 2026-07-01. Review status: criteria provided, single submitter. Criteria: Ambry Variant Classification Scheme 2023. Collection method: clinical testing. Allele origin: germline.
Comment: The c.4755+1G>T intronic variant consists of a G to T substitution one nucleotide after exon 28 (coding exon 27) of the FLNA gene. Variants that disrupt the canonical splice site are expected to cause aberrant splicing, resulting in an abnormal protein or a transcript that is subject to nonsense-mediated mRNA decay. for X-linked dominant FLNA-related periventricular nodular heterotopia; however, its clinical significance for X-linked dominant FLNA-related otopalatodigital spectrum disorders and X-linked recessive FLNA-related cardiac valvular dysplasia are uncertain. This variant was not reported in population-based cohorts in the Genome Aggregation Database (gnomAD). This nucleotide position is highly conserved in available vertebrate species. In silico splice site analysis predicts that this alteration will weaken the native splice donor site and will result in the creation or strengthening of a novel splice donor site. Based on the available evidence, this alteration is classified as pathogenic.

Dr. Peter K. Rogan Lab, Western University
No classification provided (evidence only). Condition: Thyroid cancer, nonmedullary, 1. Review status: no classification provided. Collection method: in vitro. Allele origin: not applicable. Functional consequence: retained intron. Not counted in ClinVar's aggregate classification.